The following is an entry in ClinVar:

NM_080552.3(SLC32A1):c.1232A>T (p.Gln411Leu)

Gene: SLC32A1 (solute carrier family 32 member 1; plus strand). Cytogenetic location: 20q11.23.
Variant type: single nucleotide variant.
Coding change: c.1232A>T on transcript NM_080552.3 (MANE Select); coding-DNA position 1232, A replaced by T.
Protein change: p.Gln411Leu; replaces glutamine 411 with leucine.
Molecular consequence: missense variant.
Genome position (GRCh38, 1-based): chr20:38,728,293, A>T. VCF-style: chr20-38728293-A-T. GRCh37 (hg19) VCF-style: chr20-37356936-A-T.
Other names: c.1232A>T (NM_080552.2); short protein forms Q411L.
Identifiers: ClinVar variation 3773699 (VCV003773699.11).
Genomic context (GRCh38, chr20:38,728,293, plus strand): 5'-TGTTGTCCTATCCTCTGCCATTCTTTGCCGCTGTCGAGGTGCTGGAGAAGTCGCTCTTCC[A>T]GGAAGGCAGCCGCGCCTTTTTCCCGGCCTGCTACAGCGGCGACGGGCGCCTGAAGTCCTG-3'
Protein context (NP_542119.1, residues 401-421): AVEVLEKSLF[Gln411Leu]EGSRAFFPAC

ClinVar aggregate classification (germline): Uncertain significance. Review status: criteria provided, multiple submitters, no conflicts (2 of 4 stars). 3 submissions from 3 submitters: Uncertain significance (3). Last evaluated 2026-02-09.

Conditions:
Generalized epilepsy with febrile seizures plus, type 12. Also called: GEFS+, TYPE 12. Identifiers: MedGen C5935592, MONDO:0958324, OMIM 620755.

Submissions (3):

GeneDx
Classification: Uncertain significance. Last evaluated: 2026-02-09. Review status: criteria provided, single submitter. Criteria: GeneDx Variant Classification Process June 2021. Collection method: clinical testing. Allele origin: germline.
Comment: Not observed at significant frequency in large population cohorts (gnomAD); In silico analysis suggests that this missense variant does not alter protein structure/function; Has not been previously published as pathogenic or benign to our knowledge

CeGaT Center for Human Genetics Tuebingen
Classification: Uncertain significance. Last evaluated: 2025-07-01. Review status: criteria provided, single submitter. Criteria: CeGaT Center For Human Genetics Tuebingen Variant Classification Criteria Version 2. Collection method: clinical testing. Allele origin: germline. Affected: yes. Observed: 1 variant allele.
Comment: SLC32A1: PM2

Institute of Human Genetics, University of Leipzig Medical Center
Classification: Uncertain significance for Generalized epilepsy with febrile seizures plus, type 12. Last evaluated: 2025-03-04. Review status: criteria provided, single submitter. Criteria: ACMG Guidelines, 2015. Collection method: clinical testing. Allele origin: unknown. Inheritance: Autosomal dominant inheritance. Affected: yes.
Comment: Criteria applied: PM2,PM1_SUP,PP2